The following is an entry in ClinVar:

ClinVar aggregate classification (germline): Uncertain significance (1 of 4 stars; one submission).

gnomAD v4.1: 28 of 1,614,060 alleles (0.0017%); highest among the groups gnomAD compares: Non-Finnish European, 0.00034%; no homozygotes.

Submission:

Labcorp Genetics (formerly Invitae), Labcorp
Classification: Uncertain significance. Last evaluated: 2024-04-15. Review status: criteria provided, single submitter. Criteria: Invitae Variant Classification Sherloc (09022015). Collection method: clinical testing. Allele origin: germline.
Comment: This sequence change replaces methionine, which is neutral and non-polar, with valine, which is neutral and non-polar, at codon 225 of the MAP3K8 protein (p.Met225Val). This variant is present in population databases (rs773505013, gnomAD 0.03%). This variant has not been reported in the literature in individuals affected with MAP3K8-related conditions. An algorithm developed to predict the effect of missense changes on protein structure and function (PolyPhen-2) suggests that this variant is likely to be tolerated. In summary, the available evidence is currently insufficient to determine the role of this variant in disease. Therefore, it has been classified as a Variant of Uncertain Significance.

NM_005204.4(MAP3K8):c.673A>G (p.Met225Val)

Gene: MAP3K8 (mitogen-activated protein kinase kinase kinase 8; plus strand). Cytogenetic location: 10p11.23.
Variant type: single nucleotide variant.
Coding change: c.673A>G on transcript NM_005204.4 (MANE Select); coding-DNA position 673, A replaced by G.
Protein change: p.Met225Val; replaces methionine 225 with valine.
Molecular consequence: missense variant.
Genome position (GRCh38, 1-based): chr10:30,450,426, A>G. VCF-style: chr10-30450426-A-G. GRCh37 (hg19) VCF-style: chr10-30739355-A-G.
Other names: c.673A>G, p.Met225Val (NM_001244134.1, NM_001320961.2); short protein forms M225V.
Identifiers: ClinVar variation 3701830 (VCV003701830.2).
Genomic context (GRCh38, chr10:30,450,426, plus strand): 5'-CTCTTTATGGAAGCAGGCGAGGGAGGGTCTGTTCTGGAGAAACTGGAGAGCTGTGGACCA[A>G]TGAGAGAATTTGAAATTATTTGGGTGACAAAGCATGTTCTCAAGGGACTTGATTTTCTAC-3'
Protein context (NP_005195.2, residues 215-235): VLEKLESCGP[Met225Val]REFEIIWVTK